The following is an entry in ClinVar:

NM_000435.3(NOTCH3):c.5551C>T (p.Arg1851Cys)

Gene: NOTCH3 (notch receptor 3; minus strand). Cytogenetic location: 19p13.12.
Variant type: single nucleotide variant.
Coding change: c.5551C>T on transcript NM_000435.3 (MANE Select); coding-DNA position 5551, C replaced by T.
Protein change: p.Arg1851Cys; replaces arginine 1851 with cysteine.
Molecular consequence: missense variant.
Genome position (GRCh38, 1-based): chr19:15,165,903, G>A on the plus strand (C>T on the coding strand, the complement: NOTCH3 is on the minus strand). VCF-style: chr19-15165903-G-A. GRCh37 (hg19) VCF-style: chr19-15276714-G-A.
Other names: short protein forms R1851C.
Identifiers: ClinVar variation 1013143 (VCV001013143.42), dbSNP rs376590511, ClinGen allele CA9262600.
Genomic context (GRCh38, chr19:15,165,903, plus strand): 5'-AGTGGTCCTGGGCATTGGTGTCTGCCCCAGCATCCAGCAGCCGCTTGGCTGCATCAGCAC[G>A]GGCATAACGGGCAGCCAGGTGCAAAGCAGTCTCGCCAGTACGGTCAGTCCGTGCCCCAAG-3'
Protein context (NP_000426.2, residues 1841-1861): TALHLAARYA[Arg1851Cys]ADAAKRLLDA

ClinVar aggregate classification (germline): Uncertain significance. Review status: criteria provided, multiple submitters, no conflicts (2 of 4 stars). 2 submissions from 2 submitters: Uncertain significance (2). Last evaluated 2022-02-19.

Allele frequency attached by ClinVar (database versions not stated): gnomAD 0.00004; TOPMed 0.00004; ESP Exome Variant Server 0.00008.
gnomAD v4.1: 18 of 1,613,976 alleles (0.0011%); highest among the groups gnomAD compares: East Asian, 0.0045%; no homozygotes.

Submissions (2):

Labcorp Genetics (formerly Invitae), Labcorp
Classification: Uncertain significance. Last evaluated: 2022-02-19. Review status: criteria provided, single submitter. Criteria: Invitae Variant Classification Sherloc (09022015). Collection method: clinical testing. Allele origin: germline.
Comment: In summary, the available evidence is currently insufficient to determine the role of this variant in disease. Therefore, it has been classified as a Variant of Uncertain Significance. Algorithms developed to predict the effect of missense changes on protein structure and function (SIFT, PolyPhen-2, Align-GVGD) all suggest that this variant is likely to be disruptive. ClinVar contains an entry for this variant (Variation ID: 1013143). This variant has not been reported in the literature in individuals affected with NOTCH3-related conditions. This variant is present in population databases (rs376590511, gnomAD 0.006%). This sequence change replaces arginine, which is basic and polar, with cysteine, which is neutral and slightly polar, at codon 1851 of the NOTCH3 protein (p.Arg1851Cys).

CeGaT Center for Human Genetics Tuebingen
Classification: Uncertain significance. Last evaluated: 2020-10-01. Review status: criteria provided, single submitter. Criteria: CeGaT Center For Human Genetics Tuebingen Variant Classification Criteria Version 2. Collection method: clinical testing. Allele origin: germline. Affected: yes. Observed: 1 variant allele.